The following is an entry in ClinVar:

NM_177550.5(SLC13A5):c.313C>A (p.Leu105Met)

Gene: SLC13A5 (solute carrier family 13 member 5; minus strand). Cytogenetic location: 17p13.1.
Variant type: single nucleotide variant.
Coding change: c.313C>A on transcript NM_177550.5 (MANE Select); coding-DNA position 313, C replaced by A.
Protein change: p.Leu105Met; replaces leucine 105 with methionine.
Molecular consequence: missense variant.
Genome position (GRCh38, 1-based): chr17:6,706,697, G>T on the plus strand (C>A on the coding strand, the complement: SLC13A5 is on the minus strand). VCF-style: chr17-6706697-G-T. GRCh37 (hg19) VCF-style: chr17-6610016-G-T.
Other names: c.313C>A, p.Leu105Met (NM_001143838.3, NM_001284509.2); c.184C>A, p.Leu62Met (NM_001284510.2); short protein forms L105M, L62M.
Identifiers: ClinVar variation 1385366 (VCV001385366.8), dbSNP rs765334582, ClinGen allele CA397750846.

ClinVar aggregate classification (germline): Uncertain significance (1 of 4 stars; one submission).

Conditions:
Developmental and epileptic encephalopathy, 25 (DEE25). Also called: Developmental and epileptic encephalopathy 25, with amelogenesis imperfecta; Epileptic encephalopathy, early infantile, 25, with amelogenesis imperfecta; Epileptic encephalopathy, early infantile, 25. Identifiers: Orphanet 442835, MedGen C4014621, MONDO:0014392, OMIM 615905.

Submission:

Labcorp Genetics (formerly Invitae), Labcorp
Classification: Uncertain significance for Developmental and epileptic encephalopathy, 25. Last evaluated: 2021-04-06. Review status: criteria provided, single submitter. Criteria: Invitae Variant Classification Sherloc (09022015). Collection method: clinical testing. Allele origin: germline.
Comment: This variant has not been reported in the literature in individuals with SLC13A5-related conditions. In summary, the available evidence is currently insufficient to determine the role of this variant in disease. Therefore, it has been classified as a Variant of Uncertain Significance. Algorithms developed to predict the effect of missense changes on protein structure and function are either unavailable or do not agree on the potential impact of this missense change (SIFT: "Deleterious"; PolyPhen-2: "Probably Damaging"; Align-GVGD: "Class C0"). This variant is not present in population databases (ExAC no frequency). This sequence change replaces leucine with methionine at codon 105 of the SLC13A5 protein (p.Leu105Met). The leucine residue is highly conserved and there is a small physicochemical difference between leucine and methionine.